The following is an entry in ClinVar:

ClinVar aggregate classification (germline): Uncertain significance (1 of 4 stars; one submission).

Conditions:
Cardiovascular phenotype. Identifiers: MedGen CN230736.

Submission:

Ambry Genetics
Classification: Uncertain significance for Cardiovascular phenotype. Last evaluated: 2021-06-03. Review status: criteria provided, single submitter. Criteria: Ambry Variant Classification Scheme 2023. Collection method: clinical testing. Allele origin: germline.
Comment: The p.T322I variant (also known as c.965C>T), located in coding exon 12 of the TXNRD2 gene, results from a C to T substitution at nucleotide position 965. The threonine at codon 322 is replaced by isoleucine, an amino acid with similar properties. This amino acid position is well conserved in available vertebrate species; however, isoleucine is the reference amino acid in other vertebrate species. In addition, this alteration is predicted to be tolerated by in silico analysis. Since supporting evidence is limited at this time, the clinical significance of this alteration remains unclear.

NM_006440.5(TXNRD2):c.965C>T (p.Thr322Ile)

Gene: TXNRD2 (thioredoxin reductase 2; minus strand). Cytogenetic location: 22q11.21.
Variant type: single nucleotide variant.
Coding change: c.965C>T on transcript NM_006440.5 (MANE Select); coding-DNA position 965, C replaced by T.
Protein change: p.Thr322Ile; replaces threonine 322 with isoleucine.
Molecular consequence: missense variant. On other transcripts: non-coding transcript variant (1).
Genome position (GRCh38, 1-based): chr22:19,883,446, G>A on the plus strand (C>T on the coding strand, the complement: TXNRD2 is on the minus strand). VCF-style: chr22-19883446-G-A. GRCh37 (hg19) VCF-style: chr22-19870969-G-A.
Other names: c.962C>T, p.Thr321Ile (NM_001352300.2); c.875C>T, p.Thr292Ile (NM_001352301.2); c.677C>T, p.Thr226Ile (NM_001352302.2); short protein forms T292I, T226I, T322I, T321I.
Identifiers: ClinVar variation 1767689 (VCV001767689.2), dbSNP rs752178604, ClinGen allele CA410683039.
Genomic context (GRCh38, chr22:19,883,446, plus strand): 5'-AGGATCTTCTGAGTGTCGGGGCTAGTATCTACCCCAGCCTTCTCCAAATTCAGACTTCTG[G>A]TGTCTGGGACTCGACCTGAAGGAAACAGAGAGGGGGCTGAAAGGTTATCTTCAGTGGCTT-3'
Protein context (NP_006431.2, residues 312-332): VLWAIGRVPD[Thr322Ile]RSLNLEKAGV